The following is an entry in ClinVar:

ClinVar aggregate classification (germline): Uncertain significance (1 of 4 stars; one submission).

Submission:

Labcorp Genetics (formerly Invitae), Labcorp
Classification: Uncertain significance. Last evaluated: 2023-11-27. Review status: criteria provided, single submitter. Criteria: Invitae Variant Classification Sherloc (09022015). Collection method: clinical testing. Allele origin: germline.
Comment: This sequence change replaces glycine, which is neutral and non-polar, with aspartic acid, which is acidic and polar, at codon 358 of the MERTK protein (p.Gly358Asp). This variant is not present in population databases (gnomAD no frequency). This variant has not been reported in the literature in individuals affected with MERTK-related conditions. ClinVar contains an entry for this variant (Variation ID: 1963709). Advanced modeling of protein sequence and biophysical properties (such as structural, functional, and spatial information, amino acid conservation, physicochemical variation, residue mobility, and thermodynamic stability) performed at Invitae indicates that this missense variant is not expected to disrupt MERTK protein function with a negative predictive value of 80%. In summary, the available evidence is currently insufficient to determine the role of this variant in disease. Therefore, it has been classified as a Variant of Uncertain Significance.

NM_006343.3(MERTK):c.1073G>A (p.Gly358Asp)

Genes: MERTK (MER proto-oncogene, tyrosine kinase; plus strand), LOC112806037 (Sharpr-MPRA regulatory region 3720; plus strand). Cytogenetic location: 2q13.
Variant type: single nucleotide variant.
Coding change: c.1073G>A on transcript NM_006343.3 (MANE Select); coding-DNA position 1073, G replaced by A.
Protein change: p.Gly358Asp; replaces glycine 358 with aspartic acid.
Molecular consequence: missense variant.
Genome position (GRCh38, 1-based): chr2:111,975,401, G>A. VCF-style: chr2-111975401-G-A. GRCh37 (hg19) VCF-style: chr2-112732978-G-A.
Other names: short protein forms G358D.
Identifiers: ClinVar variation 1963709 (VCV001963709.5), dbSNP rs2466829400, ClinGen allele CA348233602.